The following is an entry in ClinVar:

NM_182961.4(SYNE1):c.4310+1G>T

Gene: SYNE1 (spectrin repeat containing nuclear envelope protein 1; minus strand). Cytogenetic location: 6q25.2.
Variant type: single nucleotide variant.
Coding change: c.4310+1G>T on transcript NM_182961.4 (MANE Select); the canonical splice donor site of the intron after coding-DNA position 4310, G replaced by T.
Molecular consequence: splice donor variant.
Genome position (GRCh38, 1-based): chr6:152,435,940, C>A on the plus strand (G>T on the coding strand, the complement: SYNE1 is on the minus strand). VCF-style: chr6-152435940-C-A. GRCh37 (hg19) VCF-style: chr6-152757075-C-A.
Other names: c.4331+1G>T (NM_033071.5).
Identifiers: ClinVar variation 2684058 (VCV002684058.2), dbSNP rs2499520024, ClinGen allele CA366144908.

ClinVar aggregate classification (germline): Likely pathogenic. Review status: criteria provided, multiple submitters, no conflicts (2 of 4 stars). 2 submissions from 2 submitters: Likely pathogenic (2). Last evaluated 2025-10-01.

Conditions:
Emery-Dreifuss muscular dystrophy 4, autosomal dominant (EDMD4). Also called: EMERY-DREIFUSS MUSCULAR DYSTROPHY 4 WITH VARIABLE FEATURES. Identifiers: Orphanet 261, MedGen C2751807, MONDO:0013071, OMIM 612998.
Autosomal recessive ataxia, Beauce type. Also called: Spinocerebellar ataxia, autosomal recessive 8; ATAXIA, RECESSIVE, OF BEAUCE; SYNE1-Related Autosomal Recessive Cerebellar Ataxia; SYNE1 Deficiency. Identifiers: Orphanet 88644, MedGen C1853116, MONDO:0012549, OMIM 610743.

Submissions (2):

Labcorp Genetics (formerly Invitae), Labcorp
Classification: Likely pathogenic for Emery-Dreifuss muscular dystrophy 4, autosomal dominant; Autosomal recessive ataxia, Beauce type. Last evaluated: 2025-10-01. Review status: criteria provided, single submitter. Criteria: Invitae Variant Classification Sherloc (09022015). Collection method: clinical testing. Allele origin: germline.
Comment: This sequence change affects a donor splice site in intron 33 of the SYNE1 gene. It is expected to disrupt RNA splicing. Variants that disrupt the donor or acceptor splice site typically lead to a loss of protein function (PMID: 16199547), and loss-of-function variants in SYNE1 are known to be pathogenic (PMID: 19542096, 24319099, 27086870). This variant is not present in population databases (gnomAD no frequency). This variant has not been reported in the literature in individuals affected with SYNE1-related conditions. ClinVar contains an entry for this variant (Variation ID: 2684058). Algorithms developed to predict the effect of sequence changes on RNA splicing suggest that this variant may disrupt the consensus splice site. In summary, the currently available evidence indicates that the variant is pathogenic, but additional data are needed to prove that conclusively. Therefore, this variant has been classified as Likely Pathogenic.

Athena Diagnostics
Classification: Likely pathogenic. Last evaluated: 2022-10-06. Review status: criteria provided, single submitter. Criteria: Athena Diagnostics Criteria. Collection method: clinical testing. Allele origin: unknown.
Comment: This variant is expected to severely impact normal RNA splicing, and consequently, protein structure and/or function. This variant has not been reported in large, multi-ethnic general populations.

Literature cited by the submitters: PubMed 16199547 (cited by Labcorp Genetics (formerly Invitae), Labcorp); PubMed 19542096 (cited by Labcorp Genetics (formerly Invitae), Labcorp); PubMed 24319099 (cited by Labcorp Genetics (formerly Invitae), Labcorp); PubMed 27086870 (cited by Labcorp Genetics (formerly Invitae), Labcorp).